The following is an entry in ClinVar:

NM_004054.4(C3AR1):c.874A>G (p.Thr292Ala)

Gene: C3AR1 (complement C3a receptor 1; minus strand). Cytogenetic location: 12p13.31.
Variant type: single nucleotide variant.
Coding change: c.874A>G on transcript NM_004054.4 (MANE Select); coding-DNA position 874, A replaced by G.
Protein change: p.Thr292Ala; replaces threonine 292 with alanine.
Molecular consequence: missense variant.
Genome position (GRCh38, 1-based): chr12:8,059,312, T>C on the plus strand (A>G on the coding strand, the complement: C3AR1 is on the minus strand). VCF-style: chr12-8059312-T-C. GRCh37 (hg19) VCF-style: chr12-8211908-T-C.
Other names: c.874A>G, p.Thr292Ala (NM_001326475.2, NM_001326477.2); c.874A>G (NM_001326477.1); short protein forms T292A.
Identifiers: ClinVar variation 3994057 (VCV003994057.2).

ClinVar aggregate classification (germline): Uncertain significance. Review status: criteria provided, multiple submitters, no conflicts (2 of 4 stars). 2 submissions from 2 submitters: Uncertain significance (2). Last evaluated 2026-06-03.

Conditions:
C3AR1-related disorder. Also called: C3AR1-related condition.

Submissions (2):

PreventionGenetics, part of Exact Sciences
Classification: Uncertain significance for C3AR1-related condition. Last evaluated: 2026-06-03. Review status: criteria provided, single submitter. Criteria: ACMG Guidelines, 2015. Collection method: clinical testing. Allele origin: germline.
Comment: The C3AR1 c.874A>G variant is predicted to result in the amino acid substitution p.Thr292Ala. To our knowledge, this variant has not been reported in the literature or in a large population database (gnomAD), indicating this variant is rare. At this time, the clinical significance of this variant is uncertain due to the absence of conclusive functional and genetic evidence.

Ambry Genetics
Classification: Uncertain significance. Last evaluated: 2025-05-07. Review status: criteria provided, single submitter. Criteria: Ambry Variant Classification Scheme 2023. Collection method: clinical testing. Allele origin: germline.